The following is an entry in ClinVar:

ClinVar aggregate classification (germline): Likely benign. Review status: criteria provided, single submitter (1 of 4 stars). 2 submissions from 2 submitters: Likely benign (1). 1 of the submissions does not count toward it. Last evaluated 2024-03-17.

Conditions:
SLC38A8-related disorder. Also called: SLC38A8-related condition.

Allele frequency attached by ClinVar (database versions not stated): TOPMed 0.00002; gnomAD 0.00015; gnomAD exomes 0.00024; ExAC 0.00046; 1000 Genomes Project 0.00060; 1000 Genomes Project 30x 0.00078.
gnomAD v4.1: 386 of 1,614,216 alleles (0.024%); highest among the groups gnomAD compares: South Asian, 0.39%; 3 homozygotes.

Submissions (2):

Labcorp Genetics (formerly Invitae), Labcorp
Classification: Likely benign. Last evaluated: 2024-03-17. Review status: criteria provided, single submitter. Criteria: Invitae Variant Classification Sherloc (09022015). Collection method: clinical testing. Allele origin: germline.

PreventionGenetics, part of Exact Sciences
Classification: Likely benign for SLC38A8-related condition. Last evaluated: 2024-08-14. Review status: no assertion criteria provided. Collection method: clinical testing. Allele origin: germline. Not counted in ClinVar's aggregate classification.
Comment: This variant is classified as likely benign based on ACMG/AMP sequence variant interpretation guidelines (Richards et al. 2015 PMID: 25741868, with internal and published modifications).

NM_001080442.3(SLC38A8):c.319T>G (p.Cys107Gly)

Gene: SLC38A8 (solute carrier family 38 member 8; minus strand). Cytogenetic location: 16q23.3.
Variant type: single nucleotide variant.
Coding change: c.319T>G on transcript NM_001080442.3 (MANE Select); coding-DNA position 319, T replaced by G.
Protein change: p.Cys107Gly; replaces cysteine 107 with glycine.
Molecular consequence: missense variant.
Genome position (GRCh38, 1-based): chr16:84,036,771, A>C on the plus strand (T>G on the coding strand, the complement: SLC38A8 is on the minus strand). VCF-style: chr16-84036771-A-C. GRCh37 (hg19) VCF-style: chr16-84070376-A-C.
Other names: c.319T>G (NM_001080442.2); short protein forms C107G.
Identifiers: ClinVar variation 2715069 (VCV002715069.4), dbSNP rs554293529, ClinGen allele CA8200387.